The following is an entry in ClinVar:

ClinVar aggregate classification (germline): Likely pathogenic (1 of 4 stars; one submission).

Submission:

Labcorp Genetics (formerly Invitae), Labcorp
Classification: Likely pathogenic. Last evaluated: 2023-07-25. Review status: criteria provided, single submitter. Criteria: Invitae Variant Classification Sherloc (09022015). Collection method: clinical testing. Allele origin: germline.
Comment: In summary, the currently available evidence indicates that the variant is pathogenic, but additional data are needed to prove that conclusively. Therefore, this variant has been classified as Likely Pathogenic. Algorithms developed to predict the effect of sequence changes on RNA splicing suggest that this variant may disrupt the consensus splice site. This variant has not been reported in the literature in individuals affected with SLC26A3-related conditions. This variant is not present in population databases (gnomAD no frequency). This sequence change affects a splice site in intron 6 of the SLC26A3 gene. It is expected to disrupt RNA splicing. Variants that disrupt the donor or acceptor splice site typically lead to a loss of protein function (PMID: 16199547), and loss-of-function variants in SLC26A3 are known to be pathogenic (PMID: 9718329, 21394828).

Literature cited by the submitters: PubMed 16199547; PubMed 9718329; PubMed 21394828.

NM_000111.3(SLC26A3):c.736-2del

Gene: SLC26A3 (solute carrier family 26 member 3; minus strand). Cytogenetic location: 7q22.3.
Variant type: Deletion.
Coding change: c.736-2del on transcript NM_000111.3 (MANE Select); the canonical splice acceptor site of the intron before coding-DNA position 736, one base deleted (A; older notation c.736-2delA).
Molecular consequence: splice acceptor variant.
Genome position (GRCh38, 1-based): chr7:107,787,511, T deleted on the plus strand (A on the coding strand, the reverse complement: SLC26A3 is on the minus strand). VCF-style (leftmost placement, unchanged base first): chr7-107787510-CT-C. GRCh37 (hg19) VCF-style: chr7-107427955-CT-C.
Identifiers: ClinVar variation 2746388 (VCV002746388.3), dbSNP rs2535468435, ClinGen allele CA2697557524.
Genomic context (GRCh38, chr7:107,787,510, plus strand): 5'-AGCTGTCACCAGGTCTGCAATATTAGTCTTCTCTATTTGTGAGAATACAGAGTATAGTAC[CT>C]ACAATTATAAAAACAAAAACCACCAAAGCCCTATATTAATGCACAATTTGGATACAACGC-3'